The following is an entry in ClinVar:

ClinVar aggregate classification (germline): Uncertain significance (1 of 4 stars; one submission).

Conditions:
Weaver syndrome (WVS). Also called: Weaver Smith syndrome; Overgrowth syndrome with accelerated skeletal maturation, unusual facies, and camptodactyly. Identifiers: Orphanet 3447, MedGen C0265210, MONDO:0010193, OMIM 277590.

Submission:

Labcorp Genetics (formerly Invitae), Labcorp
Classification: Uncertain significance for Weaver syndrome. Last evaluated: 2022-05-20. Review status: criteria provided, single submitter. Criteria: Invitae Variant Classification Sherloc (09022015). Collection method: clinical testing. Allele origin: germline.
Comment: This sequence change falls in intron 12 of the EZH2 gene. It does not directly change the encoded amino acid sequence of the EZH2 protein. This variant is present in population databases (no rsID available, gnomAD 0.01%). This variant has not been reported in the literature in individuals affected with EZH2-related conditions. Algorithms developed to predict the effect of sequence changes on RNA splicing suggest that this variant may disrupt the consensus splice site. In summary, the available evidence is currently insufficient to determine the role of this variant in disease. Therefore, it has been classified as a Variant of Uncertain Significance.

NM_004456.5(EZH2):c.1506-22_1506-19del

Gene: EZH2 (enhancer of zeste 2 polycomb repressive complex 2 subunit; minus strand). Cytogenetic location: 7q36.1.
Variant type: Deletion.
Coding change: c.1506-22_1506-19del on transcript NM_004456.5 (MANE Select); 22 bases into the intron before coding-DNA position 1506 through 19 bases into the intron before coding-DNA position 1506, 4 bases deleted (AATT; older notation c.1506-22_1506-19delAATT).
Molecular consequence: intron variant.
Genome position (GRCh38, 1-based): chr7:148,815,565-148,815,568, AATT deleted on the plus strand (AATT on the coding strand, the reverse complement: EZH2 is on the minus strand); deleting any 4 consecutive bases within chr7:148,815,565-148,815,570 gives the same sequence; the c. name uses the placement nearest the transcript's 3' end. VCF-style (leftmost placement, unchanged base first): chr7-148815564-AAATT-A. GRCh37 (hg19) VCF-style: chr7-148512656-AAATT-A.
Other names: c.1491-22_1491-19del (NM_001203247.2); c.1464-22_1464-19del (NM_001203249.2, NM_001203248.2); c.1374-22_1374-19del (NM_152998.3).
Identifiers: ClinVar variation 2095830 (VCV002095830.4), dbSNP rs1210483628, ClinGen allele CA578648307.